The following is an entry in ClinVar:

NM_004612.4(TGFBR1):c.95_97+14dup

Gene: TGFBR1 (transforming growth factor beta receptor 1; plus strand). Cytogenetic location: 9q22.33.
Variant type: Duplication.
Coding change: c.95_97+14dup on transcript NM_004612.4 (MANE Select); coding-DNA position 95 through 14 bases into the intron after coding-DNA position 97, 17 bases duplicated (CGGGTGAGCGGCGGCGC).
Molecular consequence: splice donor variant. On other transcripts: intron variant (8).
Genome position (GRCh38, 1-based): chr9:99,105,300-99,105,316, CGGGTGAGCGGCGGCGC duplicated. VCF-style (leftmost placement, unchanged base first): chr9-99105299-A-ACGGGTGAGCGGCGGCGC. GRCh37 (hg19) VCF-style: chr9-101867581-A-ACGGGTGAGCGGCGGCGC.
Other names: c.-111+781_-111+797dup (NM_001407425.1); c.-111+574_-111+590dup (NM_001407434.1); c.-247+175_-247+191dup (NM_001407432.1); c.-111+175_-111+191dup (NM_001407419.1, NM_001407433.1); c.-218_-216+14dup (NM_001407422.1, NM_001407426.1); c.-173_-171+14dup (NM_001407428.1); c.-249_-247+14dup (NM_001407420.1, NM_001407429.1); c.95_97+14dup (NM_001306210.2, NM_001407416.1, NM_001407417.1 and 5 more transcripts); and 2 more.
Identifiers: ClinVar variation 4734329 (VCV004734329.1).

ClinVar aggregate classification (germline): Uncertain significance (1 of 4 stars; one submission).

Conditions:
Familial thoracic aortic aneurysm and aortic dissection (TAAD). Also called: Thoracic aortic aneurysms and dissections. Identifiers: Orphanet 91387, MedGen C4707243, MONDO:0019625.

Submission:

Labcorp Genetics (formerly Invitae), Labcorp
Classification: Uncertain significance for Familial thoracic aortic aneurysm and aortic dissection. Last evaluated: 2025-12-29. Review status: criteria provided, single submitter. Criteria: Invitae Variant Classification Sherloc (09022015). Collection method: clinical testing. Allele origin: germline.
Comment: This sequence change falls in intron 1 of the TGFBR1 gene. It does not directly change the encoded amino acid sequence of the TGFBR1 protein. The frequency data for this variant in the population databases is considered unreliable, as metrics indicate insufficient coverage at this position in the gnomAD database. This variant has not been reported in the literature in individuals affected with TGFBR1-related conditions. Experimental studies and prediction algorithms are not available or were not evaluated, and the effect of this variant on mRNA splicing is currently unknown. In summary, the available evidence is currently insufficient to determine the role of this variant in disease. Therefore, it has been classified as a Variant of Uncertain Significance.